The following is an entry in ClinVar:

ClinVar aggregate classification (germline): Uncertain significance. Review status: criteria provided, multiple submitters, no conflicts (2 of 4 stars). 2 submissions from 2 submitters: Uncertain significance (2). Last evaluated 2024-12-05.

Conditions:
Inborn genetic diseases. Identifiers: MedGen C0950123, MeSH D030342.
Metachromatic leukodystrophy (MLD). Also called: SULFATIDE LIPIDOSIS; Cerebral sclerosis diffuse metachromatic form; CEREBROSIDE SULFATASE DEFICIENCY; METACHROMATIC LEUKOENCEPHALOPATHY; ARSA DEFICIENCY; Arylsulfatase A Deficiency. Identifiers: Orphanet 512, MedGen C0023522, MONDO:0018868, OMIM 250100.

Submissions (2):

Ambry Genetics
Classification: Uncertain significance for Inborn genetic diseases. Last evaluated: 2024-12-05. Review status: criteria provided, single submitter. Criteria: Ambry Variant Classification Scheme 2023. Collection method: clinical testing. Allele origin: germline.

Labcorp Genetics (formerly Invitae), Labcorp
Classification: Uncertain significance for Metachromatic leukodystrophy. Last evaluated: 2022-09-27. Review status: criteria provided, single submitter. Criteria: Invitae Variant Classification Sherloc (09022015). Collection method: clinical testing. Allele origin: germline.
Comment: This sequence change replaces arginine, which is basic and polar, with cysteine, which is neutral and slightly polar, at codon 498 of the ARSA protein (p.Arg498Cys). The frequency data for this variant in the population databases is considered unreliable, as metrics indicate poor data quality at this position in the gnomAD database. This variant has not been reported in the literature in individuals affected with ARSA-related conditions. Advanced modeling of protein sequence and biophysical properties (such as structural, functional, and spatial information, amino acid conservation, physicochemical variation, residue mobility, and thermodynamic stability) performed at Invitae indicates that this missense variant is not expected to disrupt ARSA protein function. In summary, the available evidence is currently insufficient to determine the role of this variant in disease. Therefore, it has been classified as a Variant of Uncertain Significance.

NM_000487.6(ARSA):c.1492C>T (p.Arg498Cys)

Gene: ARSA (arylsulfatase A; minus strand). Cytogenetic location: 22q13.33.
Variant type: single nucleotide variant.
Coding change: c.1492C>T on transcript NM_000487.6 (MANE Select); coding-DNA position 1492, C replaced by T.
Protein change: p.Arg498Cys; replaces arginine 498 with cysteine.
Molecular consequence: missense variant.
Genome position (GRCh38, 1-based): chr22:50,625,183, G>A on the plus strand (C>T on the coding strand, the complement: ARSA is on the minus strand). VCF-style: chr22-50625183-G-A. GRCh37 (hg19) VCF-style: chr22-51063611-G-A.
Other names: c.1492C>T (NM_000487.5); c.1492C>T, p.Arg498Cys (NM_001085425.3, NM_001085426.3, NM_001085427.3); c.1234C>T, p.Arg412Cys (NM_001085428.3, NM_001362782.2); short protein forms R412C, R498C.
Identifiers: ClinVar variation 2173390 (VCV002173390.2), dbSNP rs878992768, ClinGen allele CA325531157.